The following is an entry in ClinVar:

ClinVar aggregate classification (germline): Uncertain significance (1 of 4 stars; one submission).

Conditions:
Inborn genetic diseases. Identifiers: MedGen C0950123, MeSH D030342.

Submission:

Ambry Genetics
Classification: Uncertain significance for Inborn genetic diseases. Last evaluated: 2024-01-08. Review status: criteria provided, single submitter. Criteria: Ambry Variant Classification Scheme 2023. Collection method: clinical testing. Allele origin: germline.
Comment: The p.E41G variant (also known as c.122A>G), located in coding exon 3 of the ERCC2 gene, results from an A to G substitution at nucleotide position 122. The glutamic acid at codon 41 is replaced by glycine, an amino acid with similar properties. This amino acid position is conserved. In addition, this alteration is predicted to be deleterious by in silico analysis. Since supporting evidence is limited at this time, the clinical significance of this alteration remains unclear.

NM_000400.4(ERCC2):c.122A>G (p.Glu41Gly)

Gene: ERCC2 (ERCC excision repair 2, TFIIH core complex helicase subunit; minus strand). Cytogenetic location: 19q13.32.
Variant type: single nucleotide variant.
Coding change: c.122A>G on transcript NM_000400.4 (MANE Select); coding-DNA position 122, A replaced by G.
Protein change: p.Glu41Gly; replaces glutamic acid 41 with glycine.
Molecular consequence: missense variant.
Genome position (GRCh38, 1-based): chr19:45,369,131, T>C on the plus strand (A>G on the coding strand, the complement: ERCC2 is on the minus strand). VCF-style: chr19-45369131-T-C. GRCh37 (hg19) VCF-style: chr19-45872389-T-C.
Other names: c.50A>G, p.Glu17Gly (NM_001130867.2); short protein forms E17G, E41G.
Identifiers: ClinVar variation 3231627 (VCV003231627.1), dbSNP rs2514045687, ClinGen allele CA406379634.
Genomic context (GRCh38, chr19:45,369,131, plus strand): 5'-CTCTGGTATGCCATGATCAGGGCCAACAGGGATACTGTCTTCCCGGTGCCTGAGGGCATC[T>C]CCAGGACTCCATGACCCTGCATGTTGGGGACCAGAGGGGCAACACACAGGGTCTCAGAAC-3'
Protein context (NP_000391.1, residues 31-51): TLDAKGHGVL[Glu41Gly]MPSGTGKTVS